The following is an entry in ClinVar:

NM_197968.4(ZMYM2):c.950C>T (p.Pro317Leu)

Gene: ZMYM2 (zinc finger MYM-type containing 2; plus strand). Cytogenetic location: 13q12.11.
Variant type: single nucleotide variant.
Coding change: c.950C>T on transcript NM_197968.4 (MANE Select); coding-DNA position 950, C replaced by T.
Protein change: p.Pro317Leu; replaces proline 317 with leucine.
Molecular consequence: missense variant. On other transcripts: non-coding transcript variant (1).
Genome position (GRCh38, 1-based): chr13:20,002,952, C>T. VCF-style: chr13-20002952-C-T. GRCh37 (hg19) VCF-style: chr13-20577092-C-T.
Other names: c.950C>T, p.Pro317Leu (NM_001190964.4, NM_001190965.4, NM_001353157.2 and 5 more transcripts); c.755C>T, p.Pro252Leu (NM_001353161.3); c.689C>T, p.Pro230Leu (NM_001353163.2); short protein forms P230L, P252L, P317L.
Identifiers: ClinVar variation 2637601 (VCV002637601.1), dbSNP rs555116535, ClinGen allele CA246785892.

ClinVar aggregate classification (germline): Uncertain significance (1 of 4 stars; one submission).

gnomAD v4.1: 67 of 1,613,998 alleles (0.0042%); highest among the groups gnomAD compares: Non-Finnish European, 0.0054%; no homozygotes.

Submission:

Women's Health and Genetics/Laboratory Corporation of America, LabCorp
Classification: Uncertain significance. Last evaluated: 2023-10-04. Review status: criteria provided, single submitter. Criteria: LabCorp Variant Classification Summary - May 2015. Collection method: clinical testing. Allele origin: germline.
Comment: Variant summary: ZMYM2 c.950C>T (p.Pro317Leu) results in a non-conservative amino acid change in the encoded protein sequence. Three of five in-silico tools predict a damaging effect of the variant on protein function. The variant allele was found at a frequency of 8e-06 in 251184 control chromosomes (i.e., 2 heterozygotes; gnomAD v2.1 Exomes dataset). The available data on variant occurrences in the general population are insufficient to allow any conclusion about variant significance. To our knowledge, no occurrence of c.950C>T in individuals affected with Neurodevelopmental-Craniofacial Syndrome With Variable Renal And Cardiac Abnormalities and no experimental evidence demonstrating its impact on protein function have been reported. No submitters have reported clinical-significance assessments for this variant to ClinVar after 2014. Based on the evidence outlined above, the variant was classified as uncertain significance.